The following is an entry in ClinVar:

NM_001851.6(COL9A1):c.1120G>T (p.Glu374Ter)

Gene: COL9A1 (collagen type IX alpha 1 chain; minus strand). Cytogenetic location: 6q13.
Variant type: single nucleotide variant.
Coding change: c.1120G>T on transcript NM_001851.6 (MANE Select); coding-DNA position 1120, G replaced by T.
Protein change: p.Glu374Ter; replaces glutamic acid 374 with a stop codon.
Molecular consequence: nonsense. On other transcripts: non-coding transcript variant (1).
Genome position (GRCh38, 1-based): chr6:70,271,678, C>A on the plus strand (G>T on the coding strand, the complement: COL9A1 is on the minus strand). VCF-style: chr6-70271678-C-A. GRCh37 (hg19) VCF-style: chr6-70981381-C-A.
Other names: c.391G>T, p.Glu131Ter (NM_001377289.1, NM_001377290.1, NM_078485.4); short protein forms E374*, E131*.
Identifiers: ClinVar variation 489264 (VCV000489264.13), dbSNP rs374843706, ClinGen allele CA3882404.

ClinVar aggregate classification (germline): Pathogenic/Likely pathogenic. Review status: criteria provided, multiple submitters, no conflicts (2 of 4 stars). 6 submissions from 6 submitters: Pathogenic (1); Likely pathogenic (5). Last evaluated 2026-04-27.

Conditions:
COL9A1-related disorder. Also called: COL9A1-related condition; COL9A1-related disorders.

Allele frequency attached by ClinVar (database versions not stated): gnomAD exomes 0.00001 and 0.00009; ExAC 0.00002; gnomAD 0.00005; TOPMed 0.00005; ESP Exome Variant Server 0.00008.
gnomAD v4.1: 140 of 1,613,864 alleles (0.0087%); highest among the groups gnomAD compares: Non-Finnish European, 0.011%; no homozygotes.

Submissions (6):

PreventionGenetics, part of Exact Sciences
Classification: Likely pathogenic for COL9A1-related condition. Last evaluated: 2026-04-27. Review status: criteria provided, single submitter. Criteria: ACMG Guidelines, 2015. Collection method: clinical testing. Allele origin: germline.
Comment: The COL9A1 c.1120G>T variant is predicted to result in premature protein termination (p.Glu374*). To our knowledge, this variant has not been reported in the literature in association with COL9A1-related disorders. This variant is reported in 0.0080% of alleles in individuals of African descent in gnomAD. Nonsense variants in COL9A1 are expected to be pathogenic. This variant is interpreted as likely pathogenic.

Labcorp Genetics (formerly Invitae), Labcorp
Classification: Pathogenic. Last evaluated: 2025-07-30. Review status: criteria provided, single submitter. Criteria: Invitae Variant Classification Sherloc (09022015). Collection method: clinical testing. Allele origin: germline.
Comment: This sequence change creates a premature translational stop signal (p.Glu374*) in the COL9A1 gene. It is expected to result in an absent or disrupted protein product. Loss-of-function variants in COL9A1 are known to be pathogenic (PMID: 16909383, 21421862). This variant is present in population databases (rs374843706, gnomAD 0.008%). This variant has not been reported in the literature in individuals affected with COL9A1-related conditions. ClinVar contains an entry for this variant (Variation ID: 489264). For these reasons, this variant has been classified as Pathogenic.

GeneDx
Classification: Likely pathogenic. Last evaluated: 2024-01-10. Review status: criteria provided, single submitter. Criteria: GeneDx Variant Classification Process June 2021. Collection method: clinical testing. Allele origin: germline. Affected: yes.
Comment: Nonsense variant predicted to result in protein truncation or nonsense mediated decay in a gene for which loss-of-function is a known mechanism of disease; Not observed at significant frequency in large population cohorts (gnomAD); Has not been previously published as pathogenic or benign to our knowledge

Clinical Genetics Laboratory, Skane University Hospital Lund
Classification: Likely pathogenic. Last evaluated: 2022-07-13. Review status: criteria provided, single submitter. Criteria: ACMG Guidelines, 2015. Collection method: clinical testing. Allele origin: germline. Affected: yes.

Blueprint Genetics
Classification: Likely pathogenic for COL9A1-related disorders. Last evaluated: 2022-04-09. Review status: criteria provided, single submitter. Criteria: ACMG Guidelines, 2015. Collection method: clinical testing. Allele origin: germline. Affected: yes. Observed: 5 variant alleles.

Athena Diagnostics
Classification: Likely pathogenic. Last evaluated: 2019-07-22. Review status: criteria provided, single submitter. Criteria: Athena Diagnostics Criteria. Collection method: clinical testing. Allele origin: germline.
Comment: The variant creates a premature nonsense codon, and is therefore predicted to result in the loss of a functional protein. The best available variant frequency is uninformative because it is below the disease allele frequency.

Literature cited by the submitters: PubMed 16909383 (cited by Labcorp Genetics (formerly Invitae), Labcorp); PubMed 21421862 (cited by Labcorp Genetics (formerly Invitae), Labcorp).